The following is an entry in ClinVar:

ClinVar aggregate classification (germline): Uncertain significance. Review status: criteria provided, multiple submitters, no conflicts (2 of 4 stars). 4 submissions from 4 submitters: Uncertain significance (4). Last evaluated 2025-04-29.

Conditions:
Hypertrophic cardiomyopathy 14. Identifiers: MedGen C2750467, MONDO:0013197, OMIM 613251.
Cardiovascular phenotype. Identifiers: MedGen CN230736.
MYH6-related disorder. Also called: MYH6-related condition; MYH6-Related Disorders.

Allele frequency attached by ClinVar (database versions not stated): gnomAD 0.00001 and 0.00002; ExAC 0.00002; gnomAD exomes 0.00002 and below 0.00001; TOPMed 0.00002; 1000 Genomes Project 30x 0.00016; 1000 Genomes Project 0.00020.
gnomAD v4.1: 11 of 1,614,180 alleles (0.00068%); highest among the groups gnomAD compares: African/African-American, 0.0067%; no homozygotes.

Submissions (4):

GeneDx
Classification: Uncertain significance. Last evaluated: 2025-04-29. Review status: criteria provided, single submitter. Criteria: GeneDx Variant Classification Process June 2021. Collection method: clinical testing. Allele origin: germline. Affected: yes.
Comment: Has not been previously published as pathogenic or benign to our knowledge; In silico analysis indicates that this missense variant does not alter protein structure/function

Ambry Genetics
Classification: Uncertain significance for Cardiovascular phenotype. Last evaluated: 2023-11-08. Review status: criteria provided, single submitter. Criteria: Ambry Variant Classification Scheme 2023. Collection method: clinical testing. Allele origin: germline.
Comment: The p.R1279Q variant (also known as c.3836G>A), located in coding exon 25 of the MYH6 gene, results from a G to A substitution at nucleotide position 3836. The arginine at codon 1279 is replaced by glutamine, an amino acid with highly similar properties. This amino acid position is not well conserved in available vertebrate species, and glutamine is the reference amino acid in other vertebrate species. In addition, this alteration is predicted to be tolerated by in silico analysis. Since supporting evidence is limited at this time, the clinical significance of this alteration remains unclear.

PreventionGenetics, part of Exact Sciences
Classification: Uncertain significance for MYH6-related condition. Last evaluated: 2023-03-28. Review status: criteria provided, single submitter. Criteria: ACMG Guidelines, 2015. Collection method: clinical testing. Allele origin: germline.
Comment: The MYH6 c.3836G>A variant is predicted to result in the amino acid substitution p.Arg1279Gln. To our knowledge, this variant has not been reported in the literature. This variant is reported in 0.012% of alleles in individuals of African descent in gnomAD. At this time, the clinical significance of this variant is uncertain due to the absence of conclusive functional and genetic evidence.

Labcorp Genetics (formerly Invitae), Labcorp
Classification: Uncertain significance for Hypertrophic cardiomyopathy 14. Last evaluated: 2022-03-10. Review status: criteria provided, single submitter. Criteria: Invitae Variant Classification Sherloc (09022015). Collection method: clinical testing. Allele origin: germline.
Comment: In summary, the available evidence is currently insufficient to determine the role of this variant in disease. Therefore, it has been classified as a Variant of Uncertain Significance. Algorithms developed to predict the effect of missense changes on protein structure and function output the following: SIFT: "Deleterious"; PolyPhen-2: "Benign"; Align-GVGD: "Class C0". The glutamine amino acid residue is found in multiple mammalian species, which suggests that this missense change does not adversely affect protein function. This sequence change replaces arginine, which is basic and polar, with glutamine, which is neutral and polar, at codon 1279 of the MYH6 protein (p.Arg1279Gln). This variant is present in population databases (rs200014711, gnomAD 0.01%). This variant has not been reported in the literature in individuals affected with MYH6-related conditions. ClinVar contains an entry for this variant (Variation ID: 1212172).

NM_002471.4(MYH6):c.3836G>A (p.Arg1279Gln)

Gene: MYH6 (myosin heavy chain 6; minus strand). Cytogenetic location: 14q11.2.
Variant type: single nucleotide variant.
Coding change: c.3836G>A on transcript NM_002471.4 (MANE Select); coding-DNA position 3836, G replaced by A.
Protein change: p.Arg1279Gln; replaces arginine 1279 with glutamine.
Molecular consequence: missense variant.
Genome position (GRCh38, 1-based): chr14:23,389,616, C>T on the plus strand (G>A on the coding strand, the complement: MYH6 is on the minus strand). VCF-style: chr14-23389616-C-T. GRCh37 (hg19) VCF-style: chr14-23858825-C-T.
Other names: short protein forms R1279Q.
Identifiers: ClinVar variation 1212172 (VCV001212172.12), dbSNP rs200014711, ClinGen allele CA7115062.